The following is an entry in ClinVar:

ClinVar aggregate classification (germline): Conflicting classifications of pathogenicity. Review status: criteria provided, conflicting classifications (1 of 4 stars). 7 submissions from 5 submitters: Uncertain significance (3); Likely benign (4). Last evaluated 2026-01-24.

Conditions:
Age related macular degeneration 5. Identifiers: MedGen C3151063, MONDO:0013409, OMIM 613761.
Cerebrooculofacioskeletal syndrome 1 (COFS1). Also called: Cerebro-oculo-facio-skeletal syndrome 1. Identifiers: MedGen C0220722, MONDO:0008955, OMIM 214150.
Cockayne syndrome type 2 (CSB). Also called: COCKAYNE SYNDROME B; Cockayne Syndrome, Type II. Identifiers: Orphanet 191, Orphanet 90322, MedGen C0751038, MONDO:0019570, OMIM 133540.

Allele frequency attached by ClinVar (database versions not stated): gnomAD exomes 0.00023 and 0.00047; gnomAD 0.00031 and 0.00032; ESP Exome Variant Server 0.00038; ExAC 0.00042; TOPMed 0.00049.
gnomAD v4.1: 411 of 1,613,498 alleles (0.025%); highest among the groups gnomAD compares: Middle Eastern, 0.12%; 1 homozygote.

Submissions (7):

Labcorp Genetics (formerly Invitae), Labcorp
Classification: Likely benign. Last evaluated: 2026-01-24. Review status: criteria provided, single submitter. Criteria: Invitae Variant Classification Sherloc (09022015). Collection method: clinical testing. Allele origin: germline.

CeGaT Center for Human Genetics Tuebingen
Classification: Likely benign. Last evaluated: 2025-12-01. Review status: criteria provided, single submitter. Criteria: CeGaT Center For Human Genetics Tuebingen Variant Classification Criteria Version 2. Collection method: clinical testing. Allele origin: germline. Affected: yes. Observed: 3 variant alleles.
Comment: ERCC6: BP4, BP7

Blueprint Genetics
Classification: Likely benign. Last evaluated: 2024-08-09. Review status: criteria provided, single submitter. Criteria: ACMG Guidelines, 2015. Collection method: clinical testing. Allele origin: germline.

Eurofins Ntd Llc (ga)
Classification: Likely benign. Last evaluated: 2018-03-20. Review status: criteria provided, single submitter. Criteria: EGL ClinVar v180209 classification definitions. Collection method: clinical testing. Allele origin: germline. Observed: 1 variant allele, 1 heterozygote.

Illumina Laboratory Services, Illumina
Classification: Uncertain significance for Age related macular degeneration 5. Last evaluated: 2018-01-12. Review status: criteria provided, single submitter. Criteria: ICSL Variant Classification Criteria 13 December 2019. Collection method: clinical testing. Allele origin: germline.

Illumina Laboratory Services, Illumina
Classification: Uncertain significance for Cockayne syndrome type 2. Last evaluated: 2018-01-12. Review status: criteria provided, single submitter. Criteria: ICSL Variant Classification Criteria 13 December 2019. Collection method: clinical testing. Allele origin: germline.

Illumina Laboratory Services, Illumina
Classification: Uncertain significance for Cerebrooculofacioskeletal syndrome 1. Last evaluated: 2018-01-12. Review status: criteria provided, single submitter. Criteria: ICSL Variant Classification Criteria 13 December 2019. Collection method: clinical testing. Allele origin: germline.

NM_000124.4(ERCC6):c.2391C>T (p.Ser797=)

Gene: ERCC6 (ERCC excision repair 6, chromatin remodeling factor; minus strand). Cytogenetic location: 10q11.23.
Variant type: single nucleotide variant.
Coding change: c.2391C>T on transcript NM_000124.4 (MANE Select); coding-DNA position 2391, C replaced by T.
Protein change: p.Ser797=; no amino-acid change (serine 797 retained).
Molecular consequence: synonymous variant.
Genome position (GRCh38, 1-based): chr10:49,474,234, G>A on the plus strand (C>T on the coding strand, the complement: ERCC6 is on the minus strand). VCF-style: chr10-49474234-G-A. GRCh37 (hg19) VCF-style: chr10-50682280-G-A.
Other names: c.2391C>T, p.Ser797= (NM_001346440.2).
Identifiers: ClinVar variation 300066 (VCV000300066.51), dbSNP rs142641602, ClinGen allele CA5495652.
Genomic context (GRCh38, chr10:49,474,234, plus strand): 5'-CTTGGGACCTCCAGAAAAGAGATCAGGGTGGTTGCAAATTTTTCTTAGGGCTATAAGTCC[G>A]GAGAAAATCTGTGGTAAGAAAGAGTACATGTACACTCAGATGACCCCATGTAAAGTAAGA-3'
Protein context (NP_000115.1, residues 787-807): RILNGEMQIF[Ser797=]GLIALRKICN